The following is an entry in ClinVar:

NM_020800.3(IFT80):c.1525G>A (p.Val509Met)

Genes: TRIM59-IFT80 (TRIM59-IFT80 readthrough (NMD candidate); minus strand), IFT80 (intraflagellar transport 80; minus strand). Cytogenetic location: 3q25.33.
Variant type: single nucleotide variant.
Coding change: c.1525G>A on transcript NM_020800.3 (MANE Select); coding-DNA position 1525, G replaced by A.
Protein change: p.Val509Met; replaces valine 509 with methionine.
Molecular consequence: missense variant. On other transcripts: non-coding transcript variant (3).
Genome position (GRCh38, 1-based): chr3:160,280,806, C>T on the plus strand (G>A on the coding strand, the complement: IFT80 is on the minus strand). VCF-style: chr3-160280806-C-T. GRCh37 (hg19) VCF-style: chr3-159998594-C-T.
Other names: c.1114G>A, p.Val372Met (NM_001190241.2, NM_001190242.2); short protein forms V372M, V509M.
Identifiers: ClinVar variation 1490291 (VCV001490291.8), dbSNP rs758912357, ClinGen allele CA2685117.
Genomic context (GRCh38, chr3:160,280,806, plus strand): 5'-ATCGAGTATCTTGAAGTCCACAAAGGATATTGCATGTATCGTTCCATGCCAAAGTATGCA[C>T]CATTGTTCCTTAATTTAAAAAGAATGTTAATGTGCTATTAGCTTTAATATGTAAGAATTA-3'
Protein context (NP_065851.1, residues 499-519): EEQIIKLGTM[Val509Met]HTLAWNDTCN

ClinVar aggregate classification (germline): Uncertain significance (1 of 4 stars; one submission).

Conditions:
Jeune thoracic dystrophy. Also called: Jeune syndrome; Infantile thoracic dystrophy; Thoracic pelvic phalangeal dystrophy; Jeune's syndrome; Chondroectodermal dysplasia-like syndrome; Short-rib thoracic dysplasia. Identifiers: Orphanet 474, MedGen C0265275, MONDO:0018770.

Submission:

Labcorp Genetics (formerly Invitae), Labcorp
Classification: Uncertain significance for Jeune thoracic dystrophy. Last evaluated: 2025-03-17. Review status: criteria provided, single submitter. Criteria: Invitae Variant Classification Sherloc (09022015). Collection method: clinical testing. Allele origin: germline.
Comment: This sequence change replaces valine, which is neutral and non-polar, with methionine, which is neutral and non-polar, at codon 509 of the IFT80 protein (p.Val509Met). This variant is present in population databases (rs758912357, gnomAD 0.0009%). This variant has not been reported in the literature in individuals affected with IFT80-related conditions. ClinVar contains an entry for this variant (Variation ID: 1490291). Invitae Evidence Modeling of protein sequence and biophysical properties (such as structural, functional, and spatial information, amino acid conservation, physicochemical variation, residue mobility, and thermodynamic stability) indicates that this missense variant is not expected to disrupt IFT80 protein function with a negative predictive value of 80%. In summary, the available evidence is currently insufficient to determine the role of this variant in disease. Therefore, it has been classified as a Variant of Uncertain Significance.